The following is an entry in ClinVar:

NM_000465.4(BARD1):c.1151C>T (p.Ser384Phe)

Gene: BARD1 (BRCA1 associated RING domain 1; minus strand). Cytogenetic location: 2q35.
Variant type: single nucleotide variant.
Coding change: c.1151C>T on transcript NM_000465.4 (MANE Select); coding-DNA position 1151, C replaced by T.
Protein change: p.Ser384Phe; replaces serine 384 with phenylalanine.
Molecular consequence: missense variant. On other transcripts: non-coding transcript variant (2), intron variant (3).
Genome position (GRCh38, 1-based): chr2:214,780,723, G>A on the plus strand (C>T on the coding strand, the complement: BARD1 is on the minus strand). VCF-style: chr2-214780723-G-A. GRCh37 (hg19) VCF-style: chr2-215645447-G-A.
Other names: c.1094C>T, p.Ser365Phe (NM_001282543.2); c.159-28168C>T (NM_001282548.2); c.215+16338C>T (NM_001282545.2); c.364+11574C>T (NM_001282549.2); short protein forms S384F, S365F.
Identifiers: ClinVar variation 490919 (VCV000490919.17), dbSNP rs1553622221, ClinGen allele CA350453955.
Genomic context (GRCh38, chr2:214,780,723, plus strand): 5'-TAACTTGAACTACTTAATGTAGAAGGTGGTGTACCTGGTGAAAGACTAATGAATTCATCG[G>A]ACATGTTACTGTTTTTCCTCCCTGATGTACCACCAACTTTACGTTTGCATGAAGGTGGTG-3'
Protein context (NP_000456.2, residues 374-394): GTSGRKNSNM[Ser384Phe]DEFISLSPGT

ClinVar aggregate classification (germline): Uncertain significance. Review status: criteria provided, multiple submitters, no conflicts (2 of 4 stars). 2 submissions from 2 submitters: Uncertain significance (2). Last evaluated 2024-07-02.

Conditions:
Hereditary cancer-predisposing syndrome. Also called: Hereditary Cancer Syndrome; Neoplastic Syndromes, Hereditary; Tumor predisposition; Hereditary neoplastic syndrome. Identifiers: Orphanet 140162, MedGen C0027672, MeSH D009386, MONDO:0015356.
Familial cancer of breast. Also called: Hereditary breast cancer; BREAST CANCER, FAMILIAL; hereditary breast carcinoma. Identifiers: Orphanet 227535, MedGen C0346153, MONDO:0016419, OMIM 114480. Disease mechanism: loss of function.

Submissions (2):

Labcorp Genetics (formerly Invitae), Labcorp
Classification: Uncertain significance for Familial cancer of breast. Last evaluated: 2024-07-02. Review status: criteria provided, single submitter. Criteria: Invitae Variant Classification Sherloc (09022015). Collection method: clinical testing. Allele origin: germline.
Comment: This sequence change replaces serine, which is neutral and polar, with phenylalanine, which is neutral and non-polar, at codon 384 of the BARD1 protein (p.Ser384Phe). This variant is not present in population databases (gnomAD no frequency). This variant has not been reported in the literature in individuals affected with BARD1-related conditions. ClinVar contains an entry for this variant (Variation ID: 490919). An algorithm developed to predict the effect of missense changes on protein structure and function (PolyPhen-2) suggests that this variant is likely to be tolerated. In summary, the available evidence is currently insufficient to determine the role of this variant in disease. Therefore, it has been classified as a Variant of Uncertain Significance.

Color Diagnostics, LLC DBA Color Health
Classification: Uncertain significance for Hereditary cancer-predisposing syndrome. Last evaluated: 2023-12-05. Review status: criteria provided, single submitter. Criteria: ACMG Guidelines, 2015. Collection method: clinical testing. Allele origin: germline.
Comment: This missense variant replaces serine with phenylalanine at codon 384 of the BARD1 protein. Computational prediction suggests that this variant may not impact protein structure and function (internally defined REVEL score threshold <= 0.5, PMID: 27666373). To our knowledge, functional studies have not been reported for this variant. This variant has not been reported in individuals affected with BARD1-related disorders in the literature. This variant has not been identified in the general population by the Genome Aggregation Database (gnomAD). The available evidence is insufficient to determine the role of this variant in disease conclusively. Therefore, this variant is classified as a Variant of Uncertain Significance.